The following is an entry in ClinVar:

ClinVar aggregate classification (germline): Likely benign (1 of 4 stars; one submission).

Allele frequency attached by ClinVar (database versions not stated): gnomAD exomes below 0.00001; ExAC 0.00001; gnomAD 0.00001; 1000 Genomes Project 30x 0.00021; 1000 Genomes Project 0.00026.
gnomAD v4.1: 8 of 1,210,081 alleles (0.00066%); highest among the groups gnomAD compares: African/African-American, 0.01%; no homozygotes.

Submission:

CeGaT Center for Human Genetics Tuebingen
Classification: Likely benign. Last evaluated: 2022-09-01. Review status: criteria provided, single submitter. Criteria: CeGaT Center For Human Genetics Tuebingen Variant Classification Criteria Version 2. Collection method: clinical testing. Allele origin: germline. Affected: yes. Observed: 1 variant allele.
Comment: CCNQ: BP4, BP7

NM_152274.5(CCNQ):c.525G>A (p.Arg175=)

Gene: CCNQ (cyclin Q; minus strand). Cytogenetic location: Xq28.
Variant type: single nucleotide variant.
Coding change: c.525G>A on transcript NM_152274.5 (MANE Select); coding-DNA position 525, G replaced by A.
Protein change: p.Arg175=; no amino-acid change (arginine 175 retained).
Molecular consequence: synonymous variant.
Genome position (GRCh38, 1-based): chrX:153,592,638, C>T on the plus strand (G>A on the coding strand, the complement: CCNQ is on the minus strand). VCF-style: chrX-153592638-C-T. GRCh37 (hg19) VCF-style: chrX-152858096-C-T.
Other names: c.525G>A, p.Arg175= (NM_001130997.3).
Identifiers: ClinVar variation 2661704 (VCV002661704.24), dbSNP rs184512968, ClinGen allele CA10548393.
Genomic context (GRCh38, chrX:153,592,638, plus strand): 5'-CACCGCCACGGCGATGTGCTGGGCCTGGAAGCGGAGGCACAGCGCCCCATGGTAGCTGTC[C>T]CGCAGCAGGGCCCAGGCGGTGACGGCAACAGGGGTCCGCTGCCAGCTGTGGCGGTTCAGC-3'
Protein context (NP_689487.2, residues 165-185): PVAVTAWALL[Arg175=]DSYHGALCLR